The following is an entry in ClinVar:

NM_007215.4(POLG2):c.1295A>G (p.Tyr432Cys)

Genes: MILR1 (mast cell immunoglobulin like receptor 1; plus strand), POLG2 (DNA polymerase gamma 2, accessory subunit; minus strand). Cytogenetic location: 17q23.3.
Variant type: single nucleotide variant.
Coding change: c.1295A>G on transcript NM_007215.4 (MANE Select); coding-DNA position 1295, A replaced by G.
Protein change: p.Tyr432Cys; replaces tyrosine 432 with cysteine.
Molecular consequence: missense variant.
Genome position (GRCh38, 1-based): chr17:64,477,986, T>C on the plus strand (A>G on the coding strand, the complement: POLG2 is on the minus strand). VCF-style: chr17-64477986-T-C. GRCh37 (hg19) VCF-style: chr17-62474103-T-C.
Other names: c.1295A>G (NM_007215.3); short protein forms Y432C.
Identifiers: ClinVar variation 1987867 (VCV001987867.6), dbSNP rs782548679, ClinGen allele CA8712760.

ClinVar aggregate classification (germline): Uncertain significance. Review status: criteria provided, multiple submitters, no conflicts (2 of 4 stars). 3 submissions from 3 submitters: Uncertain significance (3). Last evaluated 2025-05-17.

Allele frequency attached by ClinVar (database versions not stated): TOPMed below 0.00001; ExAC 0.00001; gnomAD 0.00001; gnomAD exomes 0.00005.
gnomAD v4.1: 68 of 1,613,600 alleles (0.0042%); highest among the groups gnomAD compares: Non-Finnish European, 0.0055%; no homozygotes.

Submissions (3):

Ambry Genetics
Classification: Uncertain significance. Last evaluated: 2025-05-17. Review status: criteria provided, single submitter. Criteria: Ambry Variant Classification Scheme 2023. Collection method: clinical testing. Allele origin: germline.

Labcorp Genetics (formerly Invitae), Labcorp
Classification: Uncertain significance. Last evaluated: 2025-02-18. Review status: criteria provided, single submitter. Criteria: Invitae Variant Classification Sherloc (09022015). Collection method: clinical testing. Allele origin: germline.
Comment: This sequence change replaces tyrosine, which is neutral and polar, with cysteine, which is neutral and slightly polar, at codon 432 of the POLG2 protein (p.Tyr432Cys). This variant is present in population databases (rs782548679, gnomAD 0.003%). This variant has not been reported in the literature in individuals affected with POLG2-related conditions. ClinVar contains an entry for this variant (Variation ID: 1987867). An algorithm developed to predict the effect of missense changes on protein structure and function (PolyPhen-2) suggests that this variant is likely to be disruptive. In summary, the available evidence is currently insufficient to determine the role of this variant in disease. Therefore, it has been classified as a Variant of Uncertain Significance.

GeneDx
Classification: Uncertain significance. Last evaluated: 2024-08-02. Review status: criteria provided, single submitter. Criteria: GeneDx Variant Classification Process June 2021. Collection method: clinical testing. Allele origin: germline. Affected: yes.
Comment: Has not been previously published as pathogenic or benign to our knowledge; In silico analysis supports that this missense variant has a deleterious effect on protein structure/function